The following is an entry in ClinVar:

NM_000535.7(PMS2):c.1262G>A (p.Arg421Gln)

Gene: PMS2 (PMS1 homolog 2, mismatch repair system component; minus strand). Cytogenetic location: 7p22.1.
Variant type: single nucleotide variant.
Coding change: c.1262G>A on transcript NM_000535.7 (MANE Select); coding-DNA position 1262, G replaced by A.
Protein change: p.Arg421Gln; replaces arginine 421 with glutamine.
Molecular consequence: missense variant. On other transcripts: non-coding transcript variant (1).
Genome position (GRCh38, 1-based): chr7:5,987,503, C>T on the plus strand (G>A on the coding strand, the complement: PMS2 is on the minus strand). VCF-style: chr7-5987503-C-T. GRCh37 (hg19) VCF-style: chr7-6027134-C-T.
Other names: c.857G>A, p.Arg286Gln (NM_001322003.2, NM_001322004.2, NM_001322005.2 and 1 more transcripts); c.1106G>A, p.Arg369Gln (NM_001322006.2); c.944G>A, p.Arg315Gln (NM_001322007.2, NM_001322008.2); c.701G>A, p.Arg234Gln (NM_001322010.2); c.329G>A, p.Arg110Gln (NM_001322011.2, NM_001322012.2); c.689G>A, p.Arg230Gln (NM_001322013.2); c.1262G>A, p.Arg421Gln (NM_001322014.2); c.953G>A, p.Arg318Gln (NM_001322015.2); short protein forms R421Q, R230Q, R234Q, R110Q, R286Q, R315Q, R318Q, R369Q.
Identifiers: ClinVar variation 411047 (VCV000411047.33), dbSNP rs778482303, ClinGen allele CA042857.

ClinVar aggregate classification (germline): Conflicting classifications of pathogenicity. Review status: criteria provided, conflicting classifications (1 of 4 stars). 10 submissions from 10 submitters: Uncertain significance (8); Likely benign (2). Last evaluated 2026-01-26.

Conditions:
Lynch syndrome 4 (LYNCH4). Also called: Colorectal cancer, hereditary nonpolyposis, type 4; Hereditary non-polyposis colorectal cancer, type 4. Identifiers: Orphanet 144, MedGen C1838333, MONDO:0013699, OMIM 614337. Disease mechanism: loss of function.
Mismatch repair cancer syndrome 4. Identifiers: MedGen C5436817, MONDO:0030843, OMIM 619101.
Hereditary nonpolyposis colorectal neoplasms. Identifiers: MedGen C0009405, MeSH D003123.
Hereditary cancer-predisposing syndrome. Also called: Tumor predisposition; Hereditary neoplastic syndrome; Hereditary Cancer Syndrome; Neoplastic Syndromes, Hereditary. Identifiers: Orphanet 140162, MedGen C0027672, MeSH D009386, MONDO:0015356.

Allele frequency attached by ClinVar (database versions not stated): gnomAD 0.00001; gnomAD exomes 0.00001 and 0.00002; ExAC 0.00002.
gnomAD v4.1: 23 of 1,614,008 alleles (0.0014%); highest among the groups gnomAD compares: Middle Eastern, 0.033%; no homozygotes.

Submissions (10):

Labcorp Genetics (formerly Invitae), Labcorp
Classification: Uncertain significance for Hereditary nonpolyposis colorectal neoplasms. Last evaluated: 2026-01-26. Review status: criteria provided, single submitter. Criteria: Invitae Variant Classification Sherloc (09022015). Collection method: clinical testing. Allele origin: germline.
Comment: This sequence change replaces arginine, which is basic and polar, with glutamine, which is neutral and polar, at codon 421 of the PMS2 protein (p.Arg421Gln). This variant is present in population databases (rs778482303, gnomAD 0.006%). This missense change has been observed in individual(s) with breast cancer (PMID: 31780696). ClinVar contains an entry for this variant (Variation ID: 411047). Invitae Evidence Modeling incorporating data from in vitro experimental studies (internal data) indicates that this missense variant is not expected to disrupt PMS2 function with a negative predictive value of 95%. In summary, the available evidence is currently insufficient to determine the role of this variant in disease. Therefore, it has been classified as a Variant of Uncertain Significance.

CeGaT Center for Human Genetics Tuebingen
Classification: Likely benign. Last evaluated: 2025-06-01. Review status: criteria provided, single submitter. Criteria: CeGaT Center For Human Genetics Tuebingen Variant Classification Criteria Version 2. Collection method: clinical testing. Allele origin: germline. Affected: yes. Observed: 1 variant allele.
Comment: PMS2: BP1, BS1:Supporting

Women's Health and Genetics/Laboratory Corporation of America, LabCorp
Classification: Uncertain significance. Last evaluated: 2025-05-08. Review status: criteria provided, single submitter. Criteria: LabCorp Variant Classification Summary - May 2015. Collection method: clinical testing. Allele origin: germline.
Comment: Variant summary: PMS2 c.1262G>A (p.Arg421Gln) results in a conservative amino acid change in the encoded protein sequence. Algorithms developed to predict the effect of missense changes on protein structure and function are either unavailable or do not agree on the potential impact of this missense change. The variant allele was found at a frequency of 1.6e-05 in 251060 control chromosomes (gnomAD). The available data on variant occurrences in the general population are insufficient to allow any conclusion about variant significance. c.1262G>A has been observed in individuals affected with breast cancer or gallbladder cancer without evidence of causality (e.g. Dutil_2019, Pandey_2020). These reports do not provide unequivocal conclusions about association of the variant with Hereditary Nonpolyposis Colorectal Cancer. To our knowledge, no experimental evidence demonstrating an impact on protein function has been reported. The following publications have been ascertained in the context of this evaluation (PMID: 31780696, 35263119). ClinVar contains an entry for this variant (Variation ID: 411047). Based on the evidence outlined above, the variant was classified as uncertain significance.

Department of Pathology and Laboratory Medicine, Sinai Health System
Classification: Uncertain significance for Lynch syndrome 4; Mismatch repair cancer syndrome 4. Last evaluated: 2025-01-13. Review status: criteria provided, single submitter. Criteria: ACMG Guidelines, 2015. Collection method: clinical testing. Allele origin: germline. Affected: yes.

Color Diagnostics, LLC DBA Color Health
Classification: Likely benign for Hereditary cancer-predisposing syndrome. Last evaluated: 2024-09-24. Review status: criteria provided, single submitter. Criteria: ACMG Guidelines, 2015. Collection method: clinical testing. Allele origin: germline.

Ambry Genetics
Classification: Uncertain significance for Hereditary cancer-predisposing syndrome. Last evaluated: 2024-01-19. Review status: criteria provided, single submitter. Criteria: Ambry Variant Classification Scheme 2023. Collection method: clinical testing. Allele origin: germline.
Comment: The p.R421Q variant (also known as c.1262G>A), located in coding exon 11 of the PMS2 gene, results from a G to A substitution at nucleotide position 1262. The arginine at codon 421 is replaced by glutamine, an amino acid with highly similar properties. This alteration has been reported in an individual affected with breast cancer (Dutil J et al. Sci Rep, 2019 11;9:17769). This amino acid position is highly conserved in available vertebrate species. In addition, the in silico prediction for this alteration is inconclusive. Based on the available evidence, the clinical significance of this alteration remains unclear.

Baylor Genetics
Classification: Uncertain significance for Lynch syndrome 4. Last evaluated: 2023-05-08. Review status: criteria provided, single submitter. Criteria: ACMG Guidelines, 2015. Collection method: clinical testing. Allele origin: unknown.

Sema4
Classification: Uncertain significance for Hereditary cancer-predisposing syndrome. Last evaluated: 2022-01-13. Review status: criteria provided, single submitter. Criteria: Sema4 Curation Guidelines. Collection method: curation. Allele origin: germline.
Comment: The PMS2 c.1262G>A (pR421Q) variant has been reported in heterozygosity in at least two individuals with breast cancer (PMID: 31780696, 33471991). It was observed in 4/251060 chromosomes in the large and broad cohorts of the Genome Aggregation Database (PMID: 32461654). The variant has been reported in ClinVar (Variation ID 411047). Functional studies have not been performed, and in silico predictions of the variant's effect on protein function are inconclusive. The evidence is insufficient to meet ACMG/AMP criteria for classifying the variant as benign or pathogenic. Thus, the clinical significance of this variant is currently uncertain.

GeneDx
Classification: Uncertain significance. Last evaluated: 2021-08-30. Review status: criteria provided, single submitter. Criteria: GeneDx Variant Classification Process June 2021. Collection method: clinical testing. Allele origin: germline. Affected: yes.
Comment: In silico analysis supports that this missense variant does not alter protein structure/function; Observed in an individual with breast cancer (Dutil 2019); This variant is associated with the following publications: (PMID: 31780696)

Division of Medical Genetics, University of Washington
Classification: Uncertain significance for Lynch syndrome 4. Last evaluated: 2020-05-05. Review status: criteria provided, single submitter. Criteria: ACMG Guidelines, 2015. Collection method: clinical testing. Allele origin: germline. Affected: no. Study: CSER_CHARM.
Comment: To our knowledge, this sequence variant has not been previously reported in the literature. This variant has an allele frequency of 0.00001593 in the Broad Institute gnomAD Browser. In silico tools evaluating evolutionary conservation and impact on protein structure and function suggest that this variant may have a deleterious effect; however, there are no functional studies to verify or refute these predictions. At this time, it is unknown whether or not this variant increases cancer risk; therefore, we interpret it as a variant of uncertain significance. PP3

Literature cited by the submitters: PubMed 31780696 (cited by 5 submitters); PubMed 35263119 (cited by Women's Health and Genetics/Laboratory Corporation of America, LabCorp and Department of Pathology and Laboratory Medicine, Sinai Health System); PubMed 33471991 (cited by Department of Pathology and Laboratory Medicine, Sinai Health System and Sema4).